The following is an entry in ClinVar:

NM_024753.5(TTC21B):c.895-9dup

Gene: TTC21B (tetratricopeptide repeat domain 21B; minus strand). Cytogenetic location: 2q24.3.
Variant type: Duplication.
Coding change: c.895-9dup on transcript NM_024753.5 (MANE Select); 9 bases into the intron before coding-DNA position 895, one base duplicated (T; older notation c.895-9dupT).
Molecular consequence: intron variant.
Genome position (GRCh38, 1-based): chr2:165,930,373, A duplicated on the plus strand (T on the coding strand, the reverse complement: TTC21B is on the minus strand); the first of 9 consecutive A bases (chr2:165,930,373-165,930,381); duplicating any one gives the same sequence. VCF-style (leftmost placement, unchanged base first): chr2-165930372-G-GA. GRCh37 (hg19) VCF-style: chr2-166786882-G-GA.
Other names: c.895-9dupT (NM_024753.4).
Identifiers: ClinVar variation 1616395 (VCV001616395.10), dbSNP rs752610067, ClinGen allele CA1942290.

ClinVar aggregate classification (germline): Benign/Likely benign. Review status: criteria provided, multiple submitters, no conflicts (2 of 4 stars). 3 submissions from 3 submitters: Benign (1); Likely benign (1). 1 of the submissions does not count toward it. Last evaluated 2025-04-17.

Conditions:
TTC21B-related disorder. Also called: TTC21B-related disorders; TTC21B-related condition.
Nephronophthisis. Also called: Juvenile Nephronophthisis. Identifiers: Orphanet 655, MedGen C0687120, MONDO:0019005, HP:0000090.
Jeune thoracic dystrophy. Also called: Chondroectodermal dysplasia-like syndrome; Jeune syndrome; Infantile thoracic dystrophy; Thoracic pelvic phalangeal dystrophy; Jeune's syndrome; Short-rib thoracic dysplasia. Identifiers: Orphanet 474, MedGen C0265275, MONDO:0018770.

Submissions (3):

Labcorp Genetics (formerly Invitae), Labcorp
Classification: Benign for Jeune thoracic dystrophy; Nephronophthisis. Last evaluated: 2025-04-17. Review status: criteria provided, single submitter. Criteria: Invitae Variant Classification Sherloc (09022015). Collection method: clinical testing. Allele origin: germline.

Blueprint Genetics
Classification: Likely benign. Last evaluated: 2022-03-17. Review status: criteria provided, single submitter. Criteria: ACMG Guidelines, 2015. Collection method: clinical testing. Allele origin: germline.

PreventionGenetics, part of Exact Sciences
Classification: Likely benign for TTC21B-related condition. Last evaluated: 2024-09-04. Review status: no assertion criteria provided. Collection method: clinical testing. Allele origin: germline. Not counted in ClinVar's aggregate classification.
Comment: This variant is classified as likely benign based on ACMG/AMP sequence variant interpretation guidelines (Richards et al. 2015 PMID: 25741868, with internal and published modifications).